The following is an entry in ClinVar:

ClinVar aggregate classification (germline): Pathogenic (1 of 4 stars; one submission).

Conditions:
Facioscapulohumeral muscular dystrophy 2 (FSHD2). Also called: FACIOSCAPULOHUMERAL MUSCULAR DYSTROPHY 2, DIGENIC; FSHD2, DIGENIC; MUSCULAR DYSTROPHY, FACIOSCAPULOHUMERAL, TYPE 1B. Identifiers: Orphanet 269, MedGen C1834671, MONDO:0008031, OMIM 158901.

Submission:

Labcorp Genetics (formerly Invitae), Labcorp
Classification: Pathogenic for Facioscapulohumeral muscular dystrophy 2. Last evaluated: 2019-10-29. Review status: criteria provided, single submitter. Criteria: Invitae Variant Classification Sherloc (09022015). Collection method: clinical testing. Allele origin: germline.
Comment: This sequence change creates a premature translational stop signal (p.Glu1080Asnfs*12) in the SMCHD1 gene. It is expected to result in an absent or disrupted protein product. This variant is not present in population databases (ExAC no frequency). This protein change has been observed in individual(s) with fascioscapulohumeral muscular dystrophy (PMID: 25256356). Loss-of-function variants in SMCHD1 are known to be pathogenic (PMID: 23143600). For these reasons, this variant has been classified as Pathogenic.

Literature cited by the submitters: PubMed 25256356; PubMed 23143600.

NM_015295.3(SMCHD1):c.3234_3235del (p.Glu1080fs)

Gene: SMCHD1 (structural maintenance of chromosomes flexible hinge domain containing 1; plus strand). Cytogenetic location: 18p11.32.
Variant type: Deletion.
Coding change: c.3234_3235del on transcript NM_015295.3 (MANE Select); coding-DNA positions 3234 to 3235, 2 bases deleted (AA; older notation c.3234_3235delAA).
Protein change: p.Glu1080fs; shifts the reading frame from glutamic acid 1080.
Molecular consequence: frameshift variant.
Genome position (GRCh38, 1-based): chr18:2,732,450-2,732,451, AA deleted; deleting any 2 consecutive bases within chr18:2,732,449-2,732,451 gives the same sequence; the c. name uses the placement nearest the transcript's 3' end. VCF-style (leftmost placement, unchanged base first): chr18-2732448-GAA-G. GRCh37 (hg19) VCF-style: chr18-2732446-GAA-G.
Other names: short protein forms E1080fs.
Identifiers: ClinVar variation 971914 (VCV000971914.9), dbSNP rs2075160048, ClinGen allele CA1139665939.